The following is an entry in ClinVar:

ClinVar aggregate classification (germline): Benign/Likely benign. Review status: criteria provided, multiple submitters, no conflicts (2 of 4 stars). 2 submissions from 2 submitters: Benign (1); Likely benign (1). Last evaluated 2018-07-15.

Conditions:
Lafora disease. Also called: Epilepsy progressive myoclonic 2. Identifiers: Orphanet 501, MedGen C0751783, MONDO:0009697.

Allele frequency attached by ClinVar (database versions not stated): gnomAD exomes 0.00073; gnomAD 0.00614 and 0.00663; TOPMed 0.00702; 1000 Genomes Project 0.00739; 1000 Genomes Project 30x 0.00859.

Submissions (2):

GeneDx
Classification: Likely benign. Last evaluated: 2018-07-15. Review status: criteria provided, single submitter. Criteria: GeneDx Variant Classification Process June 2021. Collection method: clinical testing. Allele origin: germline. Affected: yes.

Illumina Laboratory Services, Illumina
Classification: Benign for Myoclonic epilepsy of Lafora 1. Last evaluated: 2018-01-13. Review status: criteria provided, single submitter. Criteria: ICSL Variant Classification Criteria 13 December 2019. Collection method: clinical testing. Allele origin: germline.
Comment: This variant was observed in the ICSL laboratory as part of a predisposition screen in an ostensibly healthy population. It had not been previously curated by ICSL or reported in the Human Gene Mutation Database (HGMD: prior to June 1st, 2018), and was therefore a candidate for classification through an automated scoring system. Utilizing variant allele frequency, disease prevalence and penetrance estimates, and inheritance mode, an automated score was calculated to assess if this variant is too frequent to cause the disease. Based on the score and internal cut-off values, a variant classified as benign is not then subjected to further curation. The score for this variant resulted in a classification of benign for this disease.

NM_198586.3(NHLRC1):c.*344A>T

Gene: NHLRC1 (NHL repeat containing E3 ubiquitin protein ligase 1; minus strand). Cytogenetic location: 6p22.3.
Variant type: single nucleotide variant.
Coding change: c.*344A>T on transcript NM_198586.3 (MANE Select); 344 bases downstream of the stop codon, A replaced by T.
Molecular consequence: 3 prime UTR variant.
Genome position (GRCh38, 1-based): chr6:18,121,075, T>A on the plus strand (A>T on the coding strand, the complement: NHLRC1 is on the minus strand). VCF-style: chr6-18121075-T-A. GRCh37 (hg19) VCF-style: chr6-18121306-T-A.
Identifiers: ClinVar variation 356068 (VCV000356068.8), dbSNP rs147528518, ClinGen allele CA10626301.
Genomic context (GRCh38, chr6:18,121,075, plus strand): 5'-CAAAAATTAGCTGAGTGTGGTAATGCACACTTGTGGTCCCAGCTACTTGGGAGGCTGAGG[T>A]GGAAGGACCACCTGAGCGGGGGACGTTGAAACTGTAGTGAGCTGTGATCATGCTTCTGCA-3'